The following is an entry in ClinVar:

ClinVar aggregate classification (germline): Likely benign. Review status: criteria provided, multiple submitters, no conflicts (2 of 4 stars). 2 submissions from 2 submitters: Likely benign (2). Last evaluated 2025-04-29.

Conditions:
Tuberous sclerosis 1 (TSC1). Identifiers: Orphanet 805, MedGen C1854465, MONDO:0008612, OMIM 191100.

Allele frequency attached by ClinVar (database versions not stated): gnomAD exomes 0.00001.
gnomAD v4.1: 3 of 1,614,158 alleles (0.00019%); highest among the groups gnomAD compares: Non-Finnish European, 0.00025%; no homozygotes.

Submissions (2):

Myriad Genetics, Inc.
Classification: Likely benign for Tuberous sclerosis 1. Last evaluated: 2025-04-29. Review status: criteria provided, single submitter. Criteria: Myriad Autosomal Dominant, Autosomal Recessive and X-Linked Classification Criteria (2023). Collection method: clinical testing. Allele origin: unknown.
Comment: This variant is considered likely benign. This variant is intronic and is not expected to impact mRNA splicing.

Labcorp Genetics (formerly Invitae), Labcorp
Classification: Likely benign for Tuberous sclerosis 1. Last evaluated: 2024-11-26. Review status: criteria provided, single submitter. Criteria: Invitae Variant Classification Sherloc (09022015). Collection method: clinical testing. Allele origin: germline.

NM_000368.5(TSC1):c.2814-13C>T

Gene: TSC1 (TSC complex subunit 1; minus strand). Cytogenetic location: 9q34.13.
Variant type: single nucleotide variant.
Coding change: c.2814-13C>T on transcript NM_000368.5 (MANE Select); 13 bases into the intron before coding-DNA position 2814, C replaced by T.
Molecular consequence: intron variant.
Genome position (GRCh38, 1-based): chr9:132,897,358, G>A on the plus strand (C>T on the coding strand, the complement: TSC1 is on the minus strand). VCF-style: chr9-132897358-G-A. GRCh37 (hg19) VCF-style: chr9-135772745-G-A.
Other names: c.2451-13C>T (NM_001362177.2); c.2661-13C>T (NM_001162427.2); c.2811-13C>T (NM_001162426.2).
Identifiers: ClinVar variation 1655686 (VCV001655686.9), dbSNP rs1393952049, ClinGen allele CA2573144365.